The following is an entry in ClinVar:

ClinVar aggregate classification (germline): Uncertain significance (1 of 4 stars; one submission).

Conditions:
Hereditary spastic paraplegia 2 (SPG2). Also called: Spastic Paraplegia 2 (SPG2); SPASTIC PARAPLEGIA 2, X-LINKED. Identifiers: Orphanet 99015, MedGen C0751604, MONDO:0010733, OMIM 312920.

Submission:

Labcorp Genetics (formerly Invitae), Labcorp
Classification: Uncertain significance for Hereditary spastic paraplegia 2. Last evaluated: 2022-07-22. Review status: criteria provided, single submitter. Criteria: Invitae Variant Classification Sherloc (09022015). Collection method: clinical testing. Allele origin: germline.
Comment: This variant has not been reported in the literature in individuals affected with PLP1-related conditions. In summary, the available evidence is currently insufficient to determine the role of this variant in disease. Therefore, it has been classified as a Variant of Uncertain Significance. Experimental studies and prediction algorithms are not available or were not evaluated, and the functional significance of this variant is currently unknown. This variant results in a copy number gain of the genomic region encompassing exon(s) 1-2 of the PLP1 gene. This region includes the initiator codon of the gene. This copy number gain extends beyond the assayed region for this gene and therefore may encompass additional genes. As the precise location of this event is unknown, it may be in tandem or it may be located elsewhere in the genome.

NC_000023.10:g.(?_103031924)_(103040717_?)dup

Gene: PLP1 (proteolipid protein 1; plus strand). Cytogenetic location: Xq22.2.
Variant type: Duplication.
Identifiers: ClinVar variation 2423247 (VCV002423247.4).